The following is an entry in ClinVar:

ClinVar aggregate classification (germline): Uncertain significance (1 of 4 stars; one submission).

Conditions:
Peroxisome biogenesis disorder, complementation group K (CGK). Identifiers: MedGen C1866257, MONDO:0800365.

Allele frequency attached by ClinVar (database versions not stated): gnomAD 0.00001; gnomAD exomes below 0.00001.
gnomAD v4.1: 2 of 1,613,250 alleles (0.00012%); highest among the groups gnomAD compares: Admixed American, 0.0033%; no homozygotes.

Submission:

Labcorp Genetics (formerly Invitae), Labcorp
Classification: Uncertain significance for Peroxisome biogenesis disorder, complementation group K. Last evaluated: 2024-09-06. Review status: criteria provided, single submitter. Criteria: Invitae Variant Classification Sherloc (09022015). Collection method: clinical testing. Allele origin: germline.
Comment: This sequence change replaces glutamic acid, which is acidic and polar, with glycine, which is neutral and non-polar, at codon 26 of the PEX14 protein (p.Glu26Gly). This variant is present in population databases (no rsID available, gnomAD 0.003%). This variant has not been reported in the literature in individuals affected with PEX14-related conditions. ClinVar contains an entry for this variant (Variation ID: 1057693). Invitae Evidence Modeling of protein sequence and biophysical properties (such as structural, functional, and spatial information, amino acid conservation, physicochemical variation, residue mobility, and thermodynamic stability) indicates that this missense variant is expected to disrupt PEX14 protein function with a positive predictive value of 80%. In summary, the available evidence is currently insufficient to determine the role of this variant in disease. Therefore, it has been classified as a Variant of Uncertain Significance.

NM_004565.3(PEX14):c.77A>G (p.Glu26Gly)

Gene: PEX14 (peroxisomal biogenesis factor 14; plus strand). Cytogenetic location: 1p36.22.
Variant type: single nucleotide variant.
Coding change: c.77A>G on transcript NM_004565.3 (MANE Select); coding-DNA position 77, A replaced by G.
Protein change: p.Glu26Gly; replaces glutamic acid 26 with glycine.
Molecular consequence: missense variant.
Genome position (GRCh38, 1-based): chr1:10,495,314, A>G. VCF-style: chr1-10495314-A-G. GRCh37 (hg19) VCF-style: chr1-10555371-A-G.
Other names: short protein forms E26G.
Identifiers: ClinVar variation 1057693 (VCV001057693.7), dbSNP rs1407518602, ClinGen allele CA338683028.
Genomic context (GRCh38, chr1:10,495,314, plus strand): 5'-GTTTCCATTTTTCTCTGCAGCCAAGCTCTACTCCAGGAAGTGAAAATGTGCTGCCTCGAG[A>G]GCCGCTGGTAAGTACCCAAGATATGTGGTATCACTTTCTAGTAATTAAAATGCCACGCGA-3'
Protein context (NP_004556.1, residues 16-36): TPGSENVLPR[Glu26Gly]PLIATAVKFL